The following is an entry in ClinVar:

ClinVar aggregate classification (germline): Uncertain significance. Review status: criteria provided, multiple submitters, no conflicts (2 of 4 stars). 3 submissions from 3 submitters: Uncertain significance (3). Last evaluated 2025-04-21.

Conditions:
Inborn genetic diseases. Identifiers: MedGen C0950123, MeSH D030342.

Allele frequency attached by ClinVar (database versions not stated): gnomAD 0.00002 and 0.00004; TOPMed 0.00003; ExAC 0.00006; gnomAD exomes 0.00006.

Submissions (3):

Labcorp Genetics (formerly Invitae), Labcorp
Classification: Uncertain significance. Last evaluated: 2025-04-21. Review status: criteria provided, single submitter. Criteria: Invitae Variant Classification Sherloc (09022015). Collection method: clinical testing. Allele origin: germline.
Comment: This sequence change replaces valine, which is neutral and non-polar, with isoleucine, which is neutral and non-polar, at codon 324 of the GRM6 protein (p.Val324Ile). This variant is present in population databases (rs113211898, gnomAD 0.02%). This variant has not been reported in the literature in individuals affected with GRM6-related conditions. ClinVar contains an entry for this variant (Variation ID: 961442). Invitae Evidence Modeling of protein sequence and biophysical properties (such as structural, functional, and spatial information, amino acid conservation, physicochemical variation, residue mobility, and thermodynamic stability) indicates that this missense variant is not expected to disrupt GRM6 protein function with a negative predictive value of 95%. In summary, the available evidence is currently insufficient to determine the role of this variant in disease. Therefore, it has been classified as a Variant of Uncertain Significance.

Ambry Genetics
Classification: Uncertain significance for Inborn genetic diseases. Last evaluated: 2024-05-14. Review status: criteria provided, single submitter. Criteria: Ambry Variant Classification Scheme 2023. Collection method: clinical testing. Allele origin: germline.

Blueprint Genetics
Classification: Uncertain significance. Last evaluated: 2024-02-22. Review status: criteria provided, single submitter. Criteria: ACMG Guidelines, 2015. Collection method: clinical testing. Allele origin: germline.

NM_000843.4(GRM6):c.970G>A (p.Val324Ile)

Gene: GRM6 (glutamate metabotropic receptor 6; minus strand). Cytogenetic location: 5q35.3.
Variant type: single nucleotide variant.
Coding change: c.970G>A on transcript NM_000843.4 (MANE Select); coding-DNA position 970, G replaced by A.
Protein change: p.Val324Ile; replaces valine 324 with isoleucine.
Molecular consequence: missense variant.
Genome position (GRCh38, 1-based): chr5:178,990,634, C>T on the plus strand (G>A on the coding strand, the complement: GRM6 is on the minus strand). VCF-style: chr5-178990634-C-T. GRCh37 (hg19) VCF-style: chr5-178417635-C-T.
Other names: short protein forms V324I.
Identifiers: ClinVar variation 961442 (VCV000961442.10), dbSNP rs113211898, ClinGen allele CA3594292.